The following is an entry in ClinVar:

ClinVar aggregate classification (germline): Conflicting classifications of pathogenicity. Review status: criteria provided, conflicting classifications (1 of 4 stars). 5 submissions from 5 submitters: Uncertain significance (2); Likely benign (1). 2 of the submissions do not count toward it. Last evaluated 2025-01-15.

Conditions:
CRB2-related disorder. Also called: CRB2-related disorders; CRB2-related condition.
Inborn genetic diseases. Identifiers: MedGen C0950123, MeSH D030342.

Submissions (5):

Labcorp Genetics (formerly Invitae), Labcorp
Classification: Likely benign. Last evaluated: 2025-01-15. Review status: criteria provided, single submitter. Criteria: Invitae Variant Classification Sherloc (09022015). Collection method: clinical testing. Allele origin: germline.

Ambry Genetics
Classification: Uncertain significance for Inborn genetic diseases. Last evaluated: 2023-08-24. Review status: criteria provided, single submitter. Criteria: Ambry Variant Classification Scheme 2023. Collection method: clinical testing. Allele origin: germline.
Comment: The c.3714_3716dupCCT (p.L1239dup) alteration is located in exon 13 (coding exon 13) of the CRB2 gene. The alteration consists of an in-frame duplication of 3 nucleotides from position 3714 to 3716, resulting in the duplication of 1 residue. Based on insufficient or conflicting evidence, the clinical significance of this alteration remains unclear.

GeneDx
Classification: Uncertain significance. Last evaluated: 2019-06-06. Review status: criteria provided, single submitter. Criteria: GeneDx Variant Classification Process June 2021. Collection method: clinical testing. Allele origin: germline. Affected: yes.
Comment: Has not been previously published as pathogenic or benign to our knowledge

Genetic Services Laboratory, University of Chicago
Classification: Likely benign. Last evaluated: 2022-11-23. Review status: no assertion criteria provided. Collection method: clinical testing. Allele origin: germline. Affected: no. Not counted in ClinVar's aggregate classification.

PreventionGenetics, part of Exact Sciences
Classification: Likely benign for CRB2-related condition. Last evaluated: 2022-11-02. Review status: no assertion criteria provided. Collection method: clinical testing. Allele origin: germline. Not counted in ClinVar's aggregate classification.
Comment: This variant is classified as likely benign based on ACMG/AMP sequence variant interpretation guidelines (Richards et al. 2015 PMID: 25741868, with internal and published modifications).

NM_173689.7(CRB2):c.3699CCT[7] (p.Leu1239dup)

Gene: CRB2 (crumbs cell polarity complex component 2; plus strand). Cytogenetic location: 9q33.3.
Variant type: Microsatellite.
Coding change: c.3699CCT[7] on transcript NM_173689.7 (MANE Select); seven copies in a row of the 3-base unit CCT starting at c.3699; the reference has six copies in a row; one copy, 3 bases duplicated; also written c.3714_3716dup.
Protein change: p.Leu1239dup; duplicates leucine 1239.
Molecular consequence: inframe insertion. On other transcripts: non-coding transcript variant (1).
Genome position (GRCh38, 1-based): chr9:123,376,918-123,376,920, CCT duplicated; duplicating any 3 consecutive bases within chr9:123,376,903-123,376,920 gives the same sequence; the position shown is the placement nearest the transcript's 3' end. VCF-style (leftmost placement, unchanged base first): chr9-123376902-G-GCCT. GRCh37 (hg19) VCF-style: chr9-126139181-G-GCCT.
Other names: c.3714_3716dup (NM_173689.7); c.3714_3716dupCCT (NM_173689.5, NM_173689.6).
Identifiers: ClinVar variation 1108885 (VCV001108885.17), dbSNP rs767432277, ClinGen allele CA5232590.